The following is an entry in ClinVar:

ClinVar aggregate classification (germline): Conflicting classifications of pathogenicity. Review status: criteria provided, conflicting classifications (1 of 4 stars). 2 submissions from 2 submitters: Uncertain significance (1); Likely benign (1). Last evaluated 2023-12-11.

Conditions:
Hereditary cancer-predisposing syndrome. Also called: Neoplastic Syndromes, Hereditary; Hereditary Cancer Syndrome; Hereditary neoplastic syndrome; Tumor predisposition. Identifiers: Orphanet 140162, MedGen C0027672, MeSH D009386, MONDO:0015356.
Hereditary breast ovarian cancer syndrome. Also called: BRCA1- and BRCA2-Associated Hereditary Breast and Ovarian Cancer; Hereditary breast and ovarian cancer syndrome; Hereditary breast and ovarian cancer; Hereditary breast and ovarian cancer syndrome (HBOC); Breast and ovarian cancer; Hereditary breast and/or ovarian cancer syndrome. Identifiers: Orphanet 145, MedGen C0677776, MeSH D061325, MONDO:0003582. Disease mechanism: loss of function.

Submissions (2):

Labcorp Genetics (formerly Invitae), Labcorp
Classification: Uncertain significance for Hereditary breast ovarian cancer syndrome. Last evaluated: 2023-12-11. Review status: criteria provided, single submitter. Criteria: Invitae Variant Classification Sherloc (09022015). Collection method: clinical testing. Allele origin: germline.
Comment: This sequence change replaces leucine, which is neutral and non-polar, with arginine, which is basic and polar, at codon 474 of the BRCA2 protein (p.Leu474Arg). This variant is not present in population databases (gnomAD no frequency). This variant has not been reported in the literature in individuals affected with BRCA2-related conditions. ClinVar contains an entry for this variant (Variation ID: 1437429). Advanced modeling of protein sequence and biophysical properties (such as structural, functional, and spatial information, amino acid conservation, physicochemical variation, residue mobility, and thermodynamic stability) performed at Invitae indicates that this missense variant is not expected to disrupt BRCA2 protein function with a negative predictive value of 95%. In summary, the available evidence is currently insufficient to determine the role of this variant in disease. Therefore, it has been classified as a Variant of Uncertain Significance.

University of Washington Department of Laboratory Medicine, University of Washington
Classification: Likely benign for Hereditary cancer-predisposing syndrome. Last evaluated: 2023-03-23. Review status: criteria provided, single submitter. Criteria: Dines et al. (Genet Med. 2020). Collection method: curation. Allele origin: germline.
Comment: Missense variant in a coldspot region where missense variants are very unlikely to be pathogenic (PMID:31911673).

BRCA2 exon 10 coldspot. Reclassification based on statistical prior probability.

NM_000059.4(BRCA2):c.1421T>G (p.Leu474Arg)

Gene: BRCA2 (BRCA2 DNA repair associated; plus strand). Cytogenetic location: 13q13.1.
Variant type: single nucleotide variant.
Coding change: c.1421T>G on transcript NM_000059.4 (MANE Select); coding-DNA position 1421, T replaced by G.
Protein change: p.Leu474Arg; replaces leucine 474 with arginine.
Molecular consequence: missense variant.
Genome position (GRCh38, 1-based): chr13:32,332,899, T>G. VCF-style: chr13-32332899-T-G. GRCh37 (hg19) VCF-style: chr13-32907036-T-G.
Other names: short protein forms L474R.
Identifiers: ClinVar variation 1437429 (VCV001437429.9), dbSNP rs431825281, ClinGen allele CA387764233.